The following is an entry in ClinVar:

ClinVar aggregate classification (germline): Uncertain significance (1 of 4 stars; one submission).

Conditions:
RFT1-congenital disorder of glycosylation (CDG1N). Also called: Congenital disorder of glycosylation type In; RFT1-CDG; CDG In. Identifiers: Orphanet 244310, MedGen C2677590, MONDO:0012783, OMIM 612015.

Allele frequency attached by ClinVar (database versions not stated): gnomAD exomes below 0.00001.
gnomAD v4.1: 1 of 1,613,542 alleles (0.000062%); highest among the groups gnomAD compares: Non-Finnish European, 0.000085%; no homozygotes.

Submission:

Labcorp Genetics (formerly Invitae), Labcorp
Classification: Uncertain significance for RFT1-congenital disorder of glycosylation. Last evaluated: 2022-08-05. Review status: criteria provided, single submitter. Criteria: Invitae Variant Classification Sherloc (09022015). Collection method: clinical testing. Allele origin: germline.
Comment: Algorithms developed to predict the effect of missense changes on protein structure and function are either unavailable or do not agree on the potential impact of this missense change (SIFT: "Deleterious"; PolyPhen-2: "Possibly Damaging"; Align-GVGD: "Class C0"). This variant has not been reported in the literature in individuals affected with RFT1-related conditions. This variant is present in population databases (no rsID available, gnomAD 0.0009%). This sequence change replaces aspartic acid, which is acidic and polar, with alanine, which is neutral and non-polar, at codon 112 of the RFT1 protein (p.Asp112Ala). In summary, the available evidence is currently insufficient to determine the role of this variant in disease. Therefore, it has been classified as a Variant of Uncertain Significance.

NM_052859.4(RFT1):c.335A>C (p.Asp112Ala)

Gene: RFT1 (RFT1 glycolipid translocator homolog; minus strand). Cytogenetic location: 3p21.1.
Variant type: single nucleotide variant.
Coding change: c.335A>C on transcript NM_052859.4 (MANE Select); coding-DNA position 335, A replaced by C.
Protein change: p.Asp112Ala; replaces aspartic acid 112 with alanine.
Molecular consequence: missense variant.
Genome position (GRCh38, 1-based): chr3:53,122,495, T>G on the plus strand (A>C on the coding strand, the complement: RFT1 is on the minus strand). VCF-style: chr3-53122495-T-G. GRCh37 (hg19) VCF-style: chr3-53156511-T-G.
Other names: short protein forms D112A.
Identifiers: ClinVar variation 2191079 (VCV002191079.4), dbSNP rs1458828586, ClinGen allele CA353222126.